The following is an entry in ClinVar:

NM_006614.4(CHL1):c.1797A>T (p.Leu599Phe)

Genes: CHL1-AS1 (CHL1 antisense RNA 1; minus strand), CHL1 (cell adhesion molecule L1 like; plus strand). Cytogenetic location: 3p26.3.
Variant type: single nucleotide variant.
Coding change: c.1797A>T on transcript NM_006614.4 (MANE Select); coding-DNA position 1797, A replaced by T.
Protein change: p.Leu599Phe; replaces leucine 599 with phenylalanine.
Molecular consequence: missense variant.
Genome position (GRCh38, 1-based): chr3:377,863, A>T. VCF-style: chr3-377863-A-T. GRCh37 (hg19) VCF-style: chr3-419546-A-T.
Other names: c.1749A>T, p.Leu583Phe (NM_001253387.2); c.1797A>T, p.Leu599Phe (NM_001253388.1); short protein forms L599F, L583F.
Identifiers: ClinVar variation 710904 (VCV000710904.5), dbSNP rs149981944, ClinGen allele CA2224891.

ClinVar aggregate classification (germline): Likely benign. Review status: criteria provided, single submitter (1 of 4 stars). 2 submissions from 2 submitters: Likely benign (1). 1 of the submissions does not count toward it. Last evaluated 2018-04-06.

Conditions:
CHL1-related disorder. Also called: CHL1-related condition.

Allele frequency attached by ClinVar (database versions not stated): ExAC 0.00049; ESP Exome Variant Server 0.00146; gnomAD 0.00155 and 0.00163; TOPMed 0.00175; 1000 Genomes Project 0.00200; 1000 Genomes Project 30x 0.00203.
gnomAD v4.1: 465 of 1,611,394 alleles (0.029%); highest among the groups gnomAD compares: African/African-American, 0.56%; 3 homozygotes.

Submissions (2):

Labcorp Genetics (formerly Invitae), Labcorp
Classification: Likely benign. Last evaluated: 2018-04-06. Review status: criteria provided, single submitter. Criteria: Invitae Variant Classification Sherloc (09022015). Collection method: clinical testing. Allele origin: germline.

PreventionGenetics, part of Exact Sciences
Classification: Likely benign for CHL1-related condition. Last evaluated: 2021-01-21. Review status: no assertion criteria provided. Collection method: clinical testing. Allele origin: germline. Not counted in ClinVar's aggregate classification.
Comment: This variant is classified as likely benign based on ACMG/AMP sequence variant interpretation guidelines (Richards et al. 2015 PMID: 25741868, with internal and published modifications).